The following is an entry in ClinVar:

ClinVar aggregate classification (germline): Uncertain significance (1 of 4 stars; one submission).

Conditions:
Walker-Warburg congenital muscular dystrophy. Also called: Muscular dystrophy-dystroglycanopathy, type A; Walker-Warburg syndrome. Identifiers: Orphanet 899, MedGen C0265221, MONDO:0000171.
Muscular dystrophy-dystroglycanopathy (congenital with impaired intellectual development), type B, 1. Also called: MUSCULAR DYSTROPHY, CONGENITAL, POMT1-RELATED; Muscular dystrophy-dystroglycanopathy (congenital with intellectual disability), type B1. Identifiers: MedGen C5436962, MONDO:0013159, OMIM 613155.
Autosomal recessive limb-girdle muscular dystrophy type 2K. Also called: MUSCULAR DYSTROPHY-DYSTROGLYCANOPATHY (LIMB-GIRDLE), TYPE C, 1; MUSCULAR DYSTROPHY, LIMB-GIRDLE, TYPE 2K. Identifiers: Orphanet 86812, MedGen C1836373, MONDO:0012248, OMIM 609308.

Submission:

Labcorp Genetics (formerly Invitae), Labcorp
Classification: Uncertain significance for Muscular dystrophy-dystroglycanopathy (congenital with impaired intellectual development), type B, 1; Walker-Warburg congenital muscular dystrophy; Autosomal recessive limb-girdle muscular dystrophy type 2K. Last evaluated: 2022-06-10. Review status: criteria provided, single submitter. Criteria: Invitae Variant Classification Sherloc (09022015). Collection method: clinical testing. Allele origin: germline.
Comment: In summary, the available evidence is currently insufficient to determine the role of this variant in disease. Therefore, it has been classified as a Variant of Uncertain Significance. Algorithms developed to predict the effect of missense changes on protein structure and function (SIFT, PolyPhen-2, Align-GVGD) all suggest that this variant is likely to be tolerated. This variant has not been reported in the literature in individuals affected with POMT1-related conditions. This variant is not present in population databases (gnomAD no frequency). This sequence change replaces aspartic acid, which is acidic and polar, with alanine, which is neutral and non-polar, at codon 535 of the POMT1 protein (p.Asp535Ala).

NM_001077365.2(POMT1):c.1538A>C (p.Asp513Ala)

Gene: POMT1 (protein O-mannosyltransferase 1; plus strand). Cytogenetic location: 9q34.13.
Variant type: single nucleotide variant.
Coding change: c.1538A>C on transcript NM_001077365.2 (MANE Select); coding-DNA position 1538, A replaced by C.
Protein change: p.Asp513Ala; replaces aspartic acid 513 with alanine.
Molecular consequence: missense variant. On other transcripts: non-coding transcript variant (10), intron variant (1).
Genome position (GRCh38, 1-based): chr9:131,519,440, A>C. VCF-style: chr9-131519440-A-C. GRCh37 (hg19) VCF-style: chr9-134394827-A-C.
Other names: c.1376A>C, p.Asp459Ala (NM_001077366.2, NM_001353194.2); c.1538A>C, p.Asp513Ala (NM_001136113.2); c.1187A>C, p.Asp396Ala (NM_001136114.2, NM_001353195.2, NM_001374691.1 and 2 more transcripts); c.1604A>C, p.Asp535Ala (NM_001353193.2, NM_007171.4); c.1448A>C, p.Asp483Ala (NM_001353196.2); c.1442A>C, p.Asp481Ala (NM_001353197.2, NM_001353198.2); c.1366-640A>C (NM_001374690.1); c.1253A>C, p.Asp418Ala (NM_001353199.2); and 4 more; short protein forms D136A, D459A, D509A, D535A, D513A, D396A, D418A, D361A.
Identifiers: ClinVar variation 2004387 (VCV002004387.4), dbSNP rs2539397339, ClinGen allele CA375312829.